The following is an entry in ClinVar:

ClinVar aggregate classification (germline): Likely benign (1 of 4 stars; one submission).

Submission:

CeGaT Center for Human Genetics Tuebingen
Classification: Likely benign. Last evaluated: 2026-03-01. Review status: criteria provided, single submitter. Criteria: CeGaT Center For Human Genetics Tuebingen Variant Classification Criteria Version 2. Collection method: clinical testing. Allele origin: germline. Affected: yes. Observed: 2 variant alleles.
Comment: NCR3LG1: PM4:Supporting, BS2

NM_001202439.3(NCR3LG1):c.1293TCC[1] (p.Pro433del)

Gene: NCR3LG1 (natural killer cell cytotoxicity receptor 3 ligand 1; plus strand). Cytogenetic location: 11p15.1.
Variant type: Microsatellite.
Coding change: c.1293TCC[1] on transcript NM_001202439.3 (MANE Select); one copy of the 3-base unit TCC starting at c.1293; the reference has two copies in a row; one copy, 3 bases deleted.
Protein change: p.Pro433del; deletes proline 433.
Molecular consequence: inframe deletion.
Genome position (GRCh38, 1-based): chr11:17,372,443-17,372,445, TCC deleted; deleting any 3 consecutive bases within chr11:17,372,438-17,372,445 gives the same sequence; the position shown is the placement nearest the transcript's 3' end. VCF-style (leftmost placement, unchanged base first): chr11-17372437-ACCT-A. GRCh37 (hg19) VCF-style: chr11-17393984-ACCT-A.
Other names: short protein forms P433del.
Identifiers: ClinVar variation 3388185 (VCV003388185.14).